The following is an entry in ClinVar:

NM_001267550.2(TTN):c.75259G>A (p.Ala25087Thr)

Genes: TTN (titin; minus strand), TTN-AS1 (TTN antisense RNA 1; plus strand). Cytogenetic location: 2q31.2.
Variant type: single nucleotide variant.
Coding change: c.75259G>A on transcript NM_001267550.2 (MANE Select); coding-DNA position 75259, G replaced by A.
Protein change: p.Ala25087Thr; replaces alanine 25087 with threonine.
Molecular consequence: missense variant.
Genome position (GRCh38, 1-based): chr2:178,570,873, C>T on the plus strand (G>A on the coding strand, the complement: TTN is on the minus strand). VCF-style: chr2-178570873-C-T. GRCh37 (hg19) VCF-style: chr2-179435600-C-T.
Other names: c.70336G>A, p.Ala23446Thr (NM_001256850.1); c.48064G>A, p.Ala16022Thr (NM_003319.4); c.67555G>A, p.Ala22519Thr (NM_133378.4); c.48439G>A, p.Ala16147Thr (NM_133432.3); c.48640G>A, p.Ala16214Thr (NM_133437.4); short protein forms A25087T, A22519T, A16022T, A16147T, A16214T, A23446T.
Identifiers: ClinVar variation 467478 (VCV000467478.23), dbSNP rs759110420, ClinGen allele CA1990080.

ClinVar aggregate classification (germline): Conflicting classifications of pathogenicity. Review status: criteria provided, conflicting classifications (1 of 4 stars). 9 submissions from 9 submitters: Uncertain significance (5); Likely benign (2). 2 of the submissions do not count toward it. Last evaluated 2026-04-13.

Conditions:
Autosomal recessive limb-girdle muscular dystrophy type 2J (LGMDR10). Also called: Limb-girdle muscular dystrophy, type 2J; MUSCULAR DYSTROPHY, LIMB-GIRDLE, AUTOSOMAL RECESSIVE 10. Identifiers: Orphanet 140922, MedGen C1837342, MONDO:0012127, OMIM 608807.
Dilated cardiomyopathy 1G (CMD1G). Identifiers: Orphanet 154, MedGen C1858763, MONDO:0011400, OMIM 604145.
TTN-related disorder. Also called: TTN-related condition; TTN-related disease; TTN-related disorders.
Cardiovascular phenotype. Identifiers: MedGen CN230736.

Allele frequency attached by ClinVar (database versions not stated): TOPMed 0.00008; gnomAD 0.00009.
gnomAD v4.1: 96 of 1,613,416 alleles (0.006%); highest among the groups gnomAD compares: Middle Eastern, 0.016%; no homozygotes.

Submissions (9):

PreventionGenetics, part of Exact Sciences
Classification: Uncertain significance for TTN-related condition. Last evaluated: 2026-04-13. Review status: criteria provided, single submitter. Criteria: ACMG Guidelines, 2015. Collection method: clinical testing. Allele origin: germline.
Comment: The TTN c.75259G>A variant is predicted to result in the amino acid substitution p.Ala25087Thr. This variant has been reported as a variant of uncertain significance in a cohort of individuals with noncompaction cardiomyopathy (Table S3, van Waning et al. 2018. PubMed ID: 29447731). This variant is reported in 0.012% of alleles in individuals of European (Non-Finnish) descent in gnomAD. At this time, the clinical significance of this variant is uncertain due to the absence of conclusive functional and genetic evidence.

Revvity Omics, Revvity
Classification: Uncertain significance. Last evaluated: 2024-08-23. Review status: criteria provided, single submitter. Criteria: ACMG Guidelines, 2015. Collection method: clinical testing. Allele origin: germline.

Ambry Genetics
Classification: Likely benign for Cardiovascular phenotype. Last evaluated: 2020-06-30. Review status: criteria provided, single submitter. Criteria: Ambry Variant Classification Scheme 2023. Collection method: clinical testing. Allele origin: germline.

Mayo Clinic Laboratories, Mayo Clinic
Classification: Uncertain significance. Last evaluated: 2019-05-05. Review status: criteria provided, single submitter. Criteria: ACMG Guidelines, 2015. Collection method: clinical testing. Allele origin: germline. Observed: 1 variant allele.

GeneDx
Classification: Likely benign. Last evaluated: 2018-11-16. Review status: criteria provided, single submitter. Criteria: GeneDx Variant Classification Process June 2021. Collection method: clinical testing. Allele origin: germline. Affected: yes.

Eurofins Ntd Llc (ga)
Classification: Uncertain significance. Last evaluated: 2018-06-20. Review status: criteria provided, single submitter. Criteria: EGL ClinVar v180209 classification definitions. Collection method: clinical testing. Allele origin: germline. Observed: 1 variant allele, 1 heterozygote.

Labcorp Genetics (formerly Invitae), Labcorp
Classification: Uncertain significance for Dilated cardiomyopathy 1G; Autosomal recessive limb-girdle muscular dystrophy type 2J. Last evaluated: 2018-01-03. Review status: criteria provided, single submitter. Criteria: Invitae Variant Classification Sherloc (09022015). Collection method: clinical testing. Allele origin: germline.

Clinical Genetics DNA and cytogenetics Diagnostics Lab, Erasmus MC, Erasmus Medical Center
Classification: Uncertain significance. Review status: no assertion criteria provided. Collection method: clinical testing. Allele origin: germline. Affected: yes. Study: VKGL Data-share Consensus. Not counted in ClinVar's aggregate classification.

Joint Genome Diagnostic Labs from Nijmegen and Maastricht, Radboudumc and MUMC+
Classification: Uncertain significance. Review status: no assertion criteria provided. Collection method: clinical testing. Allele origin: germline. Affected: yes. Study: VKGL Data-share Consensus. Not counted in ClinVar's aggregate classification.